The following is an entry in ClinVar:

NM_001927.4(DES):c.380G>C (p.Arg127Pro)

Gene: DES (desmin; plus strand). Cytogenetic location: 2q35.
Variant type: single nucleotide variant.
Coding change: c.380G>C on transcript NM_001927.4 (MANE Select); coding-DNA position 380, G replaced by C.
Protein change: p.Arg127Pro; replaces arginine 127 with proline.
Molecular consequence: missense variant.
Genome position (GRCh38, 1-based): chr2:219,418,842, G>C. VCF-style: chr2-219418842-G-C. GRCh37 (hg19) VCF-style: chr2-220283564-G-C.
Other names: p.R127P:CGC>CCC; short protein forms R127P.
Identifiers: ClinVar variation 44259 (VCV000044259.18), dbSNP rs397516694, ClinGen allele CA133847.

ClinVar aggregate classification (germline): Pathogenic/Likely pathogenic. Review status: criteria provided, multiple submitters, no conflicts (2 of 4 stars). 4 submissions from 4 submitters: Pathogenic (1); Likely pathogenic (2). 1 of the submissions does not count toward it. Last evaluated 2025-07-29.

Conditions:
Arrhythmogenic right ventricular cardiomyopathy (ARVD). Also called: Cardiomyopathy, ARVC; Arrhythmogenic right ventricular dysplasia; Arrhythmogenic Right Ventricular Cardiomyopathy (ARVC); Arrhythmogenic cardiomyopathy. Identifiers: Orphanet 247, MedGen C0349788, MeSH D019571, MONDO:0016587. Disease mechanism: loss of function. Inheritance: Various modes of inheritance.
Desmin-related myofibrillar myopathy (MFM1). Also called: MYOFIBRILLAR MYOPATHY WITH ARRHYTHMOGENIC RIGHT VENTRICULAR CARDIOMYOPATHY; DESMIN-RELATED MYOPATHY WITH ARRHYTHMOGENIC RIGHT VENTRICULAR CARDIOMYOPATHY; Desminopathy; Myofibrillar myopathy 1; Desmin related myopathy (former name); Desmin storage myopathy (former name). Identifiers: Orphanet 363543, Orphanet 98909, MedGen C1832370, MONDO:0011076, OMIM 601419.

Submissions (4):

Labcorp Genetics (formerly Invitae), Labcorp
Classification: Pathogenic for Desmin-related myofibrillar myopathy. Last evaluated: 2025-07-29. Review status: criteria provided, single submitter. Criteria: Invitae Variant Classification Sherloc (09022015). Collection method: clinical testing. Allele origin: germline.
Comment: This sequence change replaces arginine, which is basic and polar, with proline, which is neutral and non-polar, at codon 127 of the DES protein (p.Arg127Pro). This variant is not present in population databases (gnomAD no frequency). This missense change has been observed in individual(s) with arrhythmogenic cardiomyopathy and/or dilated cardiomyopathy (PMID: 25179549, 40265264). It has also been observed to segregate with disease in related individuals. ClinVar contains an entry for this variant (Variation ID: 44259). Invitae Evidence Modeling of protein sequence and biophysical properties (such as structural, functional, and spatial information, amino acid conservation, physicochemical variation, residue mobility, and thermodynamic stability) indicates that this missense variant is expected to disrupt DES protein function with a positive predictive value of 95%. Experimental studies have shown that this missense change affects DES function (PMID: 25179549, 40265264). For these reasons, this variant has been classified as Pathogenic.

GeneDx
Classification: Likely pathogenic. Last evaluated: 2023-11-30. Review status: criteria provided, single submitter. Criteria: GeneDx Variant Classification Process June 2021. Collection method: clinical testing. Allele origin: germline. Affected: yes.
Comment: Observed in an individual with DCM who also harbored potential pathogenic variants in other genes (PMID: 25179549); Not observed at significant frequency in large population cohorts (gnomAD); Reported functional studies showed that myogenic C2C12 cells formed aggregates and granulofilamentous material (PMID: 25179549); In silico analysis supports that this missense variant has a deleterious effect on protein structure/function; This variant is associated with the following publications: (PMID: 11061256, 16865695, 25179549)

Center for Advanced Laboratory Medicine, UC San Diego Health, University of California San Diego
Classification: Likely pathogenic for Arrhythmogenic right ventricular cardiomyopathy. Last evaluated: 2019-03-18. Review status: criteria provided, single submitter. Criteria: ACMG Guidelines, 2015. Collection method: clinical testing. Allele origin: germline. Affected: yes. Observed: 1 variant allele.

Laboratory for Molecular Medicine, Mass General Brigham Personalized Medicine
Classification: Uncertain significance. Last evaluated: 2012-08-27. Review status: flagged submission. Criteria: LMM Criteria. Collection method: clinical testing. Allele origin: germline. Observed: 1 variant allele. Not counted in ClinVar's aggregate classification.
Comment: The Arg127Pro variant in DES has not been reported in the literature nor previou sly identified by our laboratory. Computational analyses (biochemical amino acid properties, conservation, AlignGVGD, PolyPhen2, and SIFT) suggest that this var iant may impact the protein, though this information is not predictive enough to determine pathogenicity. Additional information is needed to fully assess the c linical significance of this variant.
ClinVar note: Reason: Older and outlier claim with insufficient supporting evidence

Literature cited by the submitters: PubMed 25179549 (cited by Labcorp Genetics (formerly Invitae), Labcorp); PubMed 40265264 (cited by Labcorp Genetics (formerly Invitae), Labcorp).